The following is an entry in ClinVar:

NM_032043.3(BRIP1):c.3074C>T (p.Ser1025Leu)

Gene: BRIP1 (BRCA1 interacting DNA helicase 1; minus strand). Cytogenetic location: 17q23.2.
Variant type: single nucleotide variant.
Coding change: c.3074C>T on transcript NM_032043.3 (MANE Select); coding-DNA position 3074, C replaced by T.
Protein change: p.Ser1025Leu; replaces serine 1025 with leucine.
Molecular consequence: missense variant.
Genome position (GRCh38, 1-based): chr17:61,683,972, G>A on the plus strand (C>T on the coding strand, the complement: BRIP1 is on the minus strand). VCF-style: chr17-61683972-G-A. GRCh37 (hg19) VCF-style: chr17-59761333-G-A.
Other names: short protein forms S1025L.
Identifiers: ClinVar variation 1318627 (VCV001318627.3), dbSNP rs1603275526, ClinGen allele CA400479854.

ClinVar aggregate classification (germline): Uncertain significance. Review status: criteria provided, multiple submitters, no conflicts (2 of 4 stars). 2 submissions from 2 submitters: Uncertain significance (2). Last evaluated 2026-09-01.

Submissions (2):

CeGaT Center for Human Genetics Tuebingen
Classification: Uncertain significance. Last evaluated: 2026-09-01. Review status: criteria provided, single submitter. Criteria: CeGaT Center For Human Genetics Tuebingen Variant Classification Criteria Version 2. Collection method: clinical testing. Allele origin: germline. Affected: yes. Observed: 1 variant allele.
Comment: BRIP1: PM2, BP1, BP4

GeneDx
Classification: Uncertain significance. Last evaluated: 2019-05-08. Review status: criteria provided, single submitter. Criteria: GeneDx Variant Classification Process June 2021. Collection method: clinical testing. Allele origin: germline. Affected: yes.
Comment: Not observed in large population cohorts (Lek et al., 2016); In silico analysis, which includes protein predictors and evolutionary conservation, supports that this variant does not alter protein structure/function; Has not been previously published as pathogenic or benign to our knowledge